The following is an entry in ClinVar:

NM_000368.5(TSC1):c.3376G>T (p.Gly1126Cys)

Gene: TSC1 (TSC complex subunit 1; minus strand). Cytogenetic location: 9q34.13.
Variant type: single nucleotide variant.
Coding change: c.3376G>T on transcript NM_000368.5 (MANE Select); coding-DNA position 3376, G replaced by T.
Protein change: p.Gly1126Cys; replaces glycine 1126 with cysteine.
Molecular consequence: missense variant. On other transcripts: non-coding transcript variant (5).
Genome position (GRCh38, 1-based): chr9:132,896,354, C>A on the plus strand (G>T on the coding strand, the complement: TSC1 is on the minus strand). VCF-style: chr9-132896354-C-A. GRCh37 (hg19) VCF-style: chr9-135771741-C-A.
Other names: c.3373G>T, p.Gly1125Cys (NM_001162426.2, NM_001406597.1, NM_001406598.1 and 2 more transcripts); c.3223G>T, p.Gly1075Cys (NM_001162427.2, NM_001406610.1); c.3013G>T, p.Gly1005Cys (NM_001362177.2, NM_001406614.1, NM_001406615.1 and 4 more transcripts); c.3376G>T, p.Gly1126Cys (NM_001406592.1, NM_001406593.1, NM_001406594.1 and 2 more transcripts); c.3361G>T, p.Gly1121Cys (NM_001406601.1, NM_001406602.1); c.3358G>T, p.Gly1120Cys (NM_001406603.1, NM_001406604.1); c.3334G>T, p.Gly1112Cys (NM_001406605.1, NM_001406606.1, NM_001406607.1); c.3331G>T, p.Gly1111Cys (NM_001406608.1, NM_001406609.1); and 8 more; short protein forms G1112C, G1120C, G1121C, G1126C, G809C, G991C, G1005C, G1075C.
Identifiers: ClinVar variation 3462441 (VCV003462441.1).

ClinVar aggregate classification (germline): Uncertain significance (1 of 4 stars; one submission).

Conditions:
Hereditary cancer-predisposing syndrome. Also called: Tumor predisposition; Neoplastic Syndromes, Hereditary; Hereditary neoplastic syndrome; Hereditary Cancer Syndrome. Identifiers: Orphanet 140162, MedGen C0027672, MeSH D009386, MONDO:0015356.

gnomAD v4.1: 1 of 1,614,116 alleles (0.000062%); no homozygotes.

Submission:

Ambry Genetics
Classification: Uncertain significance for Hereditary cancer-predisposing syndrome. Last evaluated: 2024-09-25. Review status: criteria provided, single submitter. Criteria: Ambry Variant Classification Scheme 2023. Collection method: clinical testing. Allele origin: germline.
Comment: The p.G1126C variant (also known as c.3376G>T), located in coding exon 21 of the TSC1 gene, results from a G to T substitution at nucleotide position 3376. The glycine at codon 1126 is replaced by cysteine, an amino acid with highly dissimilar properties. This amino acid position is not well conserved in available vertebrate species. In addition, this alteration is predicted to be tolerated by in silico analysis. Based on the available evidence, the clinical significance of this variant remains unclear.